The following is an entry in ClinVar:

ClinVar aggregate classification (germline): Pathogenic (1 of 4 stars; one submission).

Conditions:
Early-infantile DEE. Also called: Early infantile epileptic encephalopathy with suppression bursts; Early infantile epileptic encephalopathy; Ohtahara syndrome. Identifiers: Orphanet 1934, MedGen C0393706, MONDO:0800491.

Submission:

Labcorp Genetics (formerly Invitae), Labcorp
Classification: Pathogenic for Early-infantile DEE. Last evaluated: 2026-01-09. Review status: criteria provided, single submitter. Criteria: Invitae Variant Classification Sherloc (09022015). Collection method: clinical testing. Allele origin: germline.
Comment: This sequence change creates a premature translational stop signal (p.Glu257Argfs*16) in the KCNQ2 gene. It is expected to result in an absent or disrupted protein product. Loss-of-function variants in KCNQ2 are known to be pathogenic (PMID: 14534157, 23692823, 27779742). This variant is not present in population databases (gnomAD no frequency). This premature translational stop signal has been observed in individual(s) with epilepsy (PMID: 24848745). For these reasons, this variant has been classified as Pathogenic.

Literature cited by the submitters: PubMed 14534157; PubMed 23692823; PubMed 27779742; PubMed 24848745.

NM_172107.4(KCNQ2):c.769del (p.Glu257fs)

Gene: KCNQ2 (potassium voltage-gated channel subfamily Q member 2; minus strand). Cytogenetic location: 20q13.33.
Variant type: Deletion.
Coding change: c.769del on transcript NM_172107.4 (MANE Select); coding-DNA position 769, one base deleted (G; older notation c.769delG).
Protein change: p.Glu257fs; shifts the reading frame from glutamic acid 257.
Molecular consequence: frameshift variant.
Genome position (GRCh38, 1-based): chr20:63,442,453, C deleted on the plus strand (G on the coding strand, the reverse complement: KCNQ2 is on the minus strand); the first of 5 consecutive C bases (chr20:63,442,453-63,442,457); deleting any one gives the same sequence. VCF-style (leftmost placement, unchanged base first): chr20-63442452-TC-T. GRCh37 (hg19) VCF-style: chr20-62073805-TC-T.
Other names: c.769del, p.Glu257fs (NM_001382235.1, NM_001439003.1, NM_001439004.1 and 4 more transcripts); short protein forms E257fs.
Identifiers: ClinVar variation 4710595 (VCV004710595.1).